The following is an entry in ClinVar:

NM_002473.6(MYH9):c.2441G>A (p.Arg814Gln)

Gene: MYH9 (myosin heavy chain 9; minus strand). Cytogenetic location: 22q12.3.
Variant type: single nucleotide variant.
Coding change: c.2441G>A on transcript NM_002473.6 (MANE Select); coding-DNA position 2441, G replaced by A.
Protein change: p.Arg814Gln; replaces arginine 814 with glutamine.
Molecular consequence: missense variant.
Genome position (GRCh38, 1-based): chr22:36,302,626, C>T on the plus strand (G>A on the coding strand, the complement: MYH9 is on the minus strand). VCF-style: chr22-36302626-C-T. GRCh37 (hg19) VCF-style: chr22-36698672-C-T.
Other names: short protein forms R814Q.
Identifiers: ClinVar variation 2972959 (VCV002972959.5), dbSNP rs760924443, ClinGen allele CA10209960.

ClinVar aggregate classification (germline): Uncertain significance. Review status: criteria provided, multiple submitters, no conflicts (2 of 4 stars). 3 submissions from 3 submitters: Uncertain significance (3). Last evaluated 2024-05-29.

Conditions:
Macrothrombocytopenia and granulocyte inclusions with or without nephritis or sensorineural hearing loss (MATINS). Also called: BLEEDING DISORDER, PLATELET-TYPE, 6; MAY-HEGGLIN ANOMALY; MACROTHROMBOCYTOPENIA, NEPHRITIS, AND DEAFNESS; MACROTHROMBOCYTOPENIA, NEPHRITIS, DEAFNESS, AND LEUKOCYTE INCLUSIONS; ALPORT SYNDROME WITH MACROTHROMBOCYTOPENIA; Fechtner syndrome. Identifiers: Orphanet 182050, MedGen C5200934, MONDO:0015912, OMIM 155100.
Autosomal dominant nonsyndromic hearing loss 17. Also called: Deafness, autosomal dominant 17; Autosomal dominant nonsyndromic deafness 17. Identifiers: Orphanet 90635, MedGen C1863659, MONDO:0011350, OMIM 603622.

Allele frequency attached by ClinVar (database versions not stated): gnomAD exomes below 0.00001; ExAC 0.00001.
gnomAD v4.1: 2 of 1,613,646 alleles (0.00012%); highest among the groups gnomAD compares: Non-Finnish European, 0.00017%; no homozygotes.

Submissions (3):

Fulgent Genetics
Classification: Uncertain significance for Macrothrombocytopenia and granulocyte inclusions with or without nephritis or sensorineural hearing loss; Autosomal dominant nonsyndromic hearing loss 17. Last evaluated: 2024-05-29. Review status: criteria provided, single submitter. Criteria: ACMG Guidelines, 2015. Collection method: clinical testing. Allele origin: germline.

Labcorp Genetics (formerly Invitae), Labcorp
Classification: Uncertain significance. Last evaluated: 2023-08-25. Review status: criteria provided, single submitter. Criteria: Invitae Variant Classification Sherloc (09022015). Collection method: clinical testing. Allele origin: germline.
Comment: In summary, the available evidence is currently insufficient to determine the role of this variant in disease. Therefore, it has been classified as a Variant of Uncertain Significance. Advanced modeling of protein sequence and biophysical properties (such as structural, functional, and spatial information, amino acid conservation, physicochemical variation, residue mobility, and thermodynamic stability) has been performed at Invitae for this missense variant, however the output from this modeling did not meet the statistical confidence thresholds required to predict the impact of this variant on MYH9 protein function. This missense change has been observed in individual(s) with MYH9-related conditions (PMID: 31937884). This variant is present in population databases (rs760924443, gnomAD 0.005%). This sequence change replaces arginine, which is basic and polar, with glutamine, which is neutral and polar, at codon 814 of the MYH9 protein (p.Arg814Gln).

Blueprint Genetics
Classification: Uncertain significance. Last evaluated: 2020-01-28. Review status: criteria provided, single submitter. Criteria: ACMG Guidelines, 2015. Collection method: clinical testing. Allele origin: germline.

Literature cited by the submitters: PubMed 31937884 (cited by Labcorp Genetics (formerly Invitae), Labcorp).